The following is an entry in ClinVar:

ClinVar aggregate classification (germline): Uncertain significance (1 of 4 stars; one submission).

Conditions:
Developmental and epileptic encephalopathy, 25 (DEE25). Also called: Developmental and epileptic encephalopathy 25, with amelogenesis imperfecta; Epileptic encephalopathy, early infantile, 25, with amelogenesis imperfecta; Epileptic encephalopathy, early infantile, 25. Identifiers: Orphanet 442835, MedGen C4014621, MONDO:0014392, OMIM 615905.

gnomAD v4.1: 4 of 1,613,702 alleles (0.00025%); highest among the groups gnomAD compares: South Asian, 0.0011%; no homozygotes.

Submission:

Labcorp Genetics (formerly Invitae), Labcorp
Classification: Uncertain significance for Developmental and epileptic encephalopathy, 25. Last evaluated: 2022-05-27. Review status: criteria provided, single submitter. Criteria: Invitae Variant Classification Sherloc (09022015). Collection method: clinical testing. Allele origin: germline.
Comment: In summary, the available evidence is currently insufficient to determine the role of this variant in disease. Therefore, it has been classified as a Variant of Uncertain Significance. Algorithms developed to predict the effect of missense changes on protein structure and function are either unavailable or do not agree on the potential impact of this missense change (SIFT: "Tolerated"; PolyPhen-2: "Probably Damaging"; Align-GVGD: "Class C0"). This sequence change replaces methionine, which is neutral and non-polar, with leucine, which is neutral and non-polar, at codon 525 of the SLC13A5 protein (p.Met525Leu). This variant is not present in population databases (gnomAD no frequency). This variant has not been reported in the literature in individuals affected with SLC13A5-related conditions.

NM_177550.5(SLC13A5):c.1573A>C (p.Met525Leu)

Gene: SLC13A5 (solute carrier family 13 member 5; minus strand). Cytogenetic location: 17p13.1.
Variant type: single nucleotide variant.
Coding change: c.1573A>C on transcript NM_177550.5 (MANE Select); coding-DNA position 1573, A replaced by C.
Protein change: p.Met525Leu; replaces methionine 525 with leucine.
Molecular consequence: missense variant. On other transcripts: intron variant (1).
Genome position (GRCh38, 1-based): chr17:6,687,531, T>G on the plus strand (A>C on the coding strand, the complement: SLC13A5 is on the minus strand). VCF-style: chr17-6687531-T-G. GRCh37 (hg19) VCF-style: chr17-6590850-T-G.
Other names: c.1522A>C, p.Met508Leu (NM_001284509.2); c.1444A>C, p.Met482Leu (NM_001284510.2); c.1438-1193A>C (NM_001143838.3); short protein forms M525L, M482L, M508L.
Identifiers: ClinVar variation 2091089 (VCV002091089.2), dbSNP rs749545913, ClinGen allele CA397737914.